The following is an entry in ClinVar:

ClinVar aggregate classification (germline): Likely pathogenic (1 of 4 stars; one submission).

Conditions:
Alport syndrome. Also called: Hemorrhagic familial nephritis; Hemorrhagic hereditary nephritis; Congenital hereditary hematuria. Identifiers: Orphanet 63, MedGen C1567741, MONDO:0018965.

Submission:

Victorian Clinical Genetics Services, Murdoch Childrens Research Institute
Classification: Likely pathogenic for Alport syndrome. Last evaluated: 2024-11-28. Review status: criteria provided, single submitter. Criteria: ACMG Guidelines, 2015. Collection method: clinical testing. Allele origin: germline. Affected: yes.
Comment: This variant is classified as Likely pathogenic. Evidence in support of pathogenic classification: Variant is absent from gnomAD (v2, v3 and v4); Variant is located in the well-established functional Gly-X-Y motif in the collagen triple helical domain (DECIPHER); Missense variant consistently predicted to be damaging by in silico tool or highly conserved with a major amino acid change. Additional information: Variant is predicted to result in a missense amino acid change from glycine to aspartic acid; This variant is heterozygous; This gene is associated with both recessive and dominant Alport syndrome (MONDO:0018965), COL4A3-related; An alternative amino acid change at the same position has been observed in gnomAD (v4: 1 heterozygote(s), 0 homozygote(s)); This variant has no previous evidence of pathogenicity; No published segregation evidence has been identified for this variant; No published functional evidence has been identified for this variant; No comparable missense variants have previous evidence for pathogenicity; Dominant negative and loss of function are known mechanisms of disease in this gene and are associated with Alport syndrome (MONDO:0018965), COL4A3-related. Glycine changes that are part of a G-X-Y repeat in the triple helix of a collagen domain are known to have a dominant negative effect (PMID: 12028435); Inheritance information for this variant is not currently available in this individual.

Literature cited by the submitters: PubMed 12028435.

NM_000091.5(COL4A3):c.1070G>A (p.Gly357Asp)

Genes: COL4A3 (collagen type IV alpha 3 chain; plus strand), MFF-DT (MFF divergent transcript; minus strand). Cytogenetic location: 2q36.3.
Variant type: single nucleotide variant.
Coding change: c.1070G>A on transcript NM_000091.5 (MANE Select); coding-DNA position 1070, G replaced by A.
Protein change: p.Gly357Asp; replaces glycine 357 with aspartic acid.
Molecular consequence: missense variant.
Genome position (GRCh38, 1-based): chr2:227,259,833, G>A. VCF-style: chr2-227259833-G-A. GRCh37 (hg19) VCF-style: chr2-228124549-G-A.
Other names: short protein forms G357D.
Identifiers: ClinVar variation 4531834 (VCV004531834.1).